The following is an entry in ClinVar:

ClinVar aggregate classification (germline): Uncertain significance. Review status: criteria provided, multiple submitters, no conflicts (2 of 4 stars). 2 submissions from 2 submitters: Uncertain significance (2). Last evaluated 2026-01-15.

gnomAD v4.1: 14 of 1,613,020 alleles (0.00087%); highest among the groups gnomAD compares: Admixed American, 0.023%; no homozygotes.

Submissions (2):

Labcorp Genetics (formerly Invitae), Labcorp
Classification: Uncertain significance. Last evaluated: 2026-01-15. Review status: criteria provided, single submitter. Criteria: Invitae Variant Classification Sherloc (09022015). Collection method: clinical testing. Allele origin: germline.
Comment: This sequence change replaces alanine, which is neutral and non-polar, with threonine, which is neutral and polar, at codon 260 of the NUP62 protein (p.Ala260Thr). This variant is present in population databases (rs199595285, gnomAD 0.03%). This variant has not been reported in the literature in individuals affected with NUP62-related conditions. ClinVar contains an entry for this variant (Variation ID: 1934116). An algorithm developed to predict the effect of missense changes on protein structure and function outputs the following: PolyPhen-2: "Benign". The threonine amino acid residue is found in multiple mammalian species, which suggests that this missense change does not adversely affect protein function. In summary, the available evidence is currently insufficient to determine the role of this variant in disease. Therefore, it has been classified as a Variant of Uncertain Significance.

Ambry Genetics
Classification: Uncertain significance. Last evaluated: 2022-01-26. Review status: criteria provided, single submitter. Criteria: Ambry Variant Classification Scheme 2023. Collection method: clinical testing. Allele origin: germline.

NM_016553.5(NUP62):c.778G>A (p.Ala260Thr)

Genes: IL4I1 (interleukin 4 induced 1; minus strand), NUP62 (nucleoporin 62; minus strand). Cytogenetic location: 19q13.33.
Variant type: single nucleotide variant.
Coding change: c.778G>A on transcript NM_016553.5 (MANE Select); coding-DNA position 778, G replaced by A.
Protein change: p.Ala260Thr; replaces alanine 260 with threonine.
Molecular consequence: missense variant. On other transcripts: intron variant (3).
Genome position (GRCh38, 1-based): chr19:49,909,030, C>T on the plus strand (G>A on the coding strand, the complement: NUP62 is on the minus strand). VCF-style: chr19-49909030-C-T. GRCh37 (hg19) VCF-style: chr19-50412287-C-T.
Other names: c.778G>A, p.Ala260Thr (NM_001193357.2, NM_012346.5, NM_153718.4 and 1 more transcripts); c.-227-4709G>A (NM_001258017.2, NM_172374.3); c.-285-4709G>A (NM_001258018.2); short protein forms A260T.
Identifiers: ClinVar variation 1934116 (VCV001934116.5), dbSNP rs199595285, ClinGen allele CA9589051.